The following is an entry in ClinVar:

NM_001393769.1(MED12L):c.4767A>G (p.Gly1589=)

Genes: MED12L (mediator complex subunit 12L; plus strand), P2RY12 (purinergic receptor P2Y12; minus strand). Cytogenetic location: 3q25.1.
Variant type: single nucleotide variant.
Coding change: c.4767A>G on transcript NM_001393769.1 (MANE Select); coding-DNA position 4767, A replaced by G.
Protein change: p.Gly1589=; no amino-acid change (glycine 1589 retained).
Molecular consequence: synonymous variant. On other transcripts: intron variant (1).
Genome position (GRCh38, 1-based): chr3:151,383,865, A>G. VCF-style: chr3-151383865-A-G. GRCh37 (hg19) VCF-style: chr3-151101653-A-G.
Other names: c.4662A>G, p.Gly1554= (NM_053002.6); c.-180+827T>C (NM_022788.5).
Identifiers: ClinVar variation 4823195 (VCV004823195.4).
Genomic context (GRCh38, chr3:151,383,865, plus strand): 5'-GAGGAGCACCCAGTGGACTACAGACTGGGCCCTGCTACTCCTTCAGATCATTACTTCAGG[A>G]ACTGTTGACATGCACACTAACAAGTATGTTTTTATCACTTCACATTGATTTTGCTACATG-3'
Protein context (NP_001380698.1, residues 1579-1599): ALLLLQIITS[Gly1589=]TVDMHTNNEL

ClinVar aggregate classification (germline): Likely benign (1 of 4 stars; one submission).

Submission:

CeGaT Center for Human Genetics Tuebingen
Classification: Likely benign. Last evaluated: 2026-02-01. Review status: criteria provided, single submitter. Criteria: CeGaT Center For Human Genetics Tuebingen Variant Classification Criteria Version 2. Collection method: clinical testing. Allele origin: germline. Affected: yes. Observed: 1 variant allele.
Comment: MED12L: PM2:Supporting, BP4, BP7